The following is an entry in ClinVar:

ClinVar aggregate classification (germline): Likely benign (1 of 4 stars; one submission).

Conditions:
PLXNA1-related disorder. Also called: PLXNA1-related condition.

gnomAD v4.1: 12 of 1,613,088 alleles (0.00074%); highest among the groups gnomAD compares: Admixed American, 0.0083%; no homozygotes.

Submission:

PreventionGenetics, part of Exact Sciences
Classification: Likely benign for PLXNA1-related condition. Last evaluated: 2025-03-06. Review status: criteria provided, single submitter. Criteria: ACMG Guidelines, 2015. Collection method: clinical testing. Allele origin: germline.
Comment: This variant is classified as likely benign based on ACMG/AMP sequence variant interpretation guidelines (Richards et al. 2015 PMID: 25741868, with internal and published modifications).

NM_032242.4(PLXNA1):c.3951C>T (p.Ala1317=)

Gene: PLXNA1 (plexin A1; plus strand). Cytogenetic location: 3q21.3.
Variant type: single nucleotide variant.
Coding change: c.3951C>T on transcript NM_032242.4 (MANE Select); coding-DNA position 3951, C replaced by T.
Protein change: p.Ala1317=; no amino-acid change (alanine 1317 retained).
Molecular consequence: synonymous variant.
Genome position (GRCh38, 1-based): chr3:127,020,257, C>T. VCF-style: chr3-127020257-C-T. GRCh37 (hg19) VCF-style: chr3-126739100-C-T.
Identifiers: ClinVar variation 4989933 (VCV004989933.1).